The following is an entry in ClinVar:

ClinVar aggregate classification (germline): Uncertain significance. Review status: criteria provided, multiple submitters, no conflicts (2 of 4 stars). 4 submissions from 4 submitters: Uncertain significance (4). Last evaluated 2023-12-18.

Conditions:
Fanconi anemia complementation group P. Also called: SLX4-Related Fanconi Anemia. Identifiers: Orphanet 84, MedGen C3469542, MONDO:0013499, OMIM 613951.
Fanconi anemia (FA). Also called: Fanconi's anemia. Identifiers: Orphanet 84, MedGen C0015625, MeSH D005199, MONDO:0019391.

Allele frequency attached by ClinVar (database versions not stated): gnomAD exomes 0.00004 and 0.00008; ExAC 0.00010; gnomAD 0.00036 and 0.00044; TOPMed 0.00041; ESP Exome Variant Server 0.00069.
gnomAD v4.1: 113 of 1,613,690 alleles (0.007%); highest among the groups gnomAD compares: African/African-American, 0.14%; no homozygotes.

Submissions (4):

Labcorp Genetics (formerly Invitae), Labcorp
Classification: Uncertain significance for Fanconi anemia. Last evaluated: 2023-12-18. Review status: criteria provided, single submitter. Criteria: Invitae Variant Classification Sherloc (09022015). Collection method: clinical testing. Allele origin: germline.
Comment: This sequence change replaces asparagine, which is neutral and polar, with isoleucine, which is neutral and non-polar, at codon 1553 of the SLX4 protein (p.Asn1553Ile). This variant is present in population databases (rs150460384, gnomAD 0.1%). This variant has not been reported in the literature in individuals affected with SLX4-related conditions. ClinVar contains an entry for this variant (Variation ID: 947391). An algorithm developed to predict the effect of missense changes on protein structure and function (PolyPhen-2) suggests that this variant is likely to be disruptive. In summary, the available evidence is currently insufficient to determine the role of this variant in disease. Therefore, it has been classified as a Variant of Uncertain Significance.

Genetic Services Laboratory, University of Chicago
Classification: Uncertain significance. Last evaluated: 2023-02-16. Review status: criteria provided, single submitter. Criteria: ACMG Guidelines, 2015. Collection method: clinical testing. Allele origin: germline. Affected: no.
Comment: DNA sequence analysis of the SLX4 gene demonstrated a sequence change, c.4658A>T, in exon 13 that results in an amino acid change, p.Asn1553Ile. This sequence change does not appear to have been previously described in individuals with SLX4-related disorders.This sequence change has been described in the gnomAD database with a frequency of 0.13% in the African subpopulation and 0.012% in the overall population (dbSNP rs150460384). The p.Asn1553Ile change affects a moderately conserved amino acid residue located in a domain of the SLX4 protein that is not known to be functional. In-silico pathogenicity prediction tools (SIFT, PolyPhen2, Align GVGD, REVEL) provide contradictory results for the p.Asn1553Ile substitution. Due to insufficient evidences and the lack of functional studies, the clinical significance of the p.Asn1553Ile change remains unknown at this time.

Fulgent Genetics
Classification: Uncertain significance for Fanconi anemia complementation group P. Last evaluated: 2022-04-18. Review status: criteria provided, single submitter. Criteria: ACMG Guidelines, 2015. Collection method: clinical testing. Allele origin: unknown.

Sema4
Classification: Uncertain significance for Fanconi anemia. Last evaluated: 2021-07-03. Review status: criteria provided, single submitter. Criteria: Sema4 Curation Guidelines. Collection method: curation. Allele origin: germline.
Comment: The SLX4 c.4658A>T(p.N1553I) variant has not been reported in the literature to our knowledge. This variant was observed in 33/24970 chromosomes in the African/African American population, with no homozygotes, according to the Genome Aggregation Database ((PMID: 32461654). This variant has been reported in ClinVar (Variation ID 947391). In silico tools suggest the impact of the variant on protein function is benign, though these predictions have not been confirmed by functional studies. The overall evidence is insufficient to meet ACMG/AMP criteria for classifying it as benign or pathogenic. In summary, the clinical significance of this variant is currently uncertain.

NM_032444.4(SLX4):c.4658A>T (p.Asn1553Ile)

Gene: SLX4 (SLX4 structure-specific endonuclease subunit; minus strand). Cytogenetic location: 16p13.3.
Variant type: single nucleotide variant.
Coding change: c.4658A>T on transcript NM_032444.4 (MANE Select); coding-DNA position 4658, A replaced by T.
Protein change: p.Asn1553Ile; replaces asparagine 1553 with isoleucine.
Molecular consequence: missense variant.
Genome position (GRCh38, 1-based): chr16:3,584,850, T>A on the plus strand (A>T on the coding strand, the complement: SLX4 is on the minus strand). VCF-style: chr16-3584850-T-A. GRCh37 (hg19) VCF-style: chr16-3634851-T-A.
Other names: c.4658A>T (NM_032444.3); short protein forms N1553I.
Identifiers: ClinVar variation 947391 (VCV000947391.9), dbSNP rs150460384, ClinGen allele CA7865561.